The following is an entry in ClinVar:

ClinVar aggregate classification (germline): Uncertain significance. Review status: criteria provided, multiple submitters, no conflicts (2 of 4 stars). 2 submissions from 2 submitters: Uncertain significance (2). Last evaluated 2024-10-29.

Conditions:
Mitochondrial complex I deficiency, nuclear type 1. Also called: NADH-COENZYME Q REDUCTASE DEFICIENCY; MITOCHONDRIAL NADH DEHYDROGENASE COMPONENT OF COMPLEX I, DEFICIENCY OF. Identifiers: MedGen C6022305, MONDO:0100224, OMIM 252010.

Allele frequency attached by ClinVar (database versions not stated): gnomAD 0.00004 and 0.00007; gnomAD exomes 0.00005 and 0.00014; TOPMed 0.00008; ExAC 0.00013; 1000 Genomes Project 30x 0.00062; 1000 Genomes Project 0.00080.

Submissions (2):

Labcorp Genetics (formerly Invitae), Labcorp
Classification: Uncertain significance. Last evaluated: 2024-10-29. Review status: criteria provided, single submitter. Criteria: Invitae Variant Classification Sherloc (09022015). Collection method: clinical testing. Allele origin: germline.
Comment: This sequence change replaces lysine, which is basic and polar, with arginine, which is basic and polar, at codon 64 of the NDUFA2 protein (p.Lys64Arg). This variant is present in population databases (rs79526416, gnomAD 0.2%). This variant has not been reported in the literature in individuals affected with NDUFA2-related conditions. ClinVar contains an entry for this variant (Variation ID: 351223). An algorithm developed to predict the effect of missense changes on protein structure and function outputs the following: PolyPhen-2: "Benign". The arginine amino acid residue is found in multiple mammalian species, which suggests that this missense change does not adversely affect protein function. In summary, the available evidence is currently insufficient to determine the role of this variant in disease. Therefore, it has been classified as a Variant of Uncertain Significance.

Illumina Laboratory Services, Illumina
Classification: Uncertain significance for Mitochondrial complex I deficiency, nuclear type 1. Last evaluated: 2018-01-12. Review status: criteria provided, single submitter. Criteria: ICSL Variant Classification Criteria 13 December 2019. Collection method: clinical testing. Allele origin: germline.

NM_002488.5(NDUFA2):c.191A>G (p.Lys64Arg)

Genes: NDUFA2 (NADH:ubiquinone oxidoreductase subunit A2; minus strand), TMCO6 (transmembrane and coiled-coil domains 6; plus strand). Cytogenetic location: 5q31.3.
Variant type: single nucleotide variant.
Coding change: c.191A>G on transcript NM_002488.5 (MANE Select); coding-DNA position 191, A replaced by G.
Protein change: p.Lys64Arg; replaces lysine 64 with arginine.
Molecular consequence: missense variant. On other transcripts: non-coding transcript variant (1).
Genome position (GRCh38, 1-based): chr5:140,647,273, T>C on the plus strand (A>G on the coding strand, the complement: NDUFA2 is on the minus strand). VCF-style: chr5-140647273-T-C. GRCh37 (hg19) VCF-style: chr5-140026858-T-C.
Other names: c.191A>G, p.Lys64Arg (NM_001185012.2); short protein forms K64R.
Identifiers: ClinVar variation 351223 (VCV000351223.9), dbSNP rs79526416, ClinGen allele CA3442497.